The following is an entry in ClinVar:

ClinVar aggregate classification (germline): Uncertain significance (1 of 4 stars; one submission).

Conditions:
Rhabdoid tumor predisposition syndrome 2 (RTPS2). Identifiers: Orphanet 231108, Orphanet 69077, MedGen C2750074, MONDO:0013224, OMIM 613325.

Submission:

Labcorp Genetics (formerly Invitae), Labcorp
Classification: Uncertain significance for Rhabdoid tumor predisposition syndrome 2. Last evaluated: 2017-01-02. Review status: criteria provided, single submitter. Criteria: Invitae Variant Classification Sherloc (09022015). Collection method: clinical testing. Allele origin: germline.
Comment: This variant is not present in population databases (ExAC no frequency) and has not been reported in the literature in individuals with a SMARCA4-related disease. In summary, this variant is a novel missense change with uncertain impact on protein function. It has been classified as a Variant of Uncertain Significance. Algorithms developed to predict the effect of missense changes on protein structure and function do not agree on the potential impact of this missense change (SIFT: "Deleterious"; PolyPhen-2: "Benign"; Align-GVGD: "Class C25"). This sequence change replaces methionine with threonine at codon 98 of the SMARCA4 protein (p.Met98Thr). The methionine residue is highly conserved and there is a moderate physicochemical difference between methionine and threonine.

NM_003072.5(SMARCA4):c.293T>C (p.Met98Thr)

Gene: SMARCA4 (SWI/SNF related BAF chromatin remodeling complex subunit ATPase 4; plus strand). Cytogenetic location: 19p13.2.
Variant type: single nucleotide variant.
Coding change: c.293T>C on transcript NM_003072.5 (MANE Select); coding-DNA position 293, T replaced by C.
Protein change: p.Met98Thr; replaces methionine 98 with threonine.
Molecular consequence: missense variant. On other transcripts: non-coding transcript variant (1).
Genome position (GRCh38, 1-based): chr19:10,985,343, T>C. VCF-style: chr19-10985343-T-C. GRCh37 (hg19) VCF-style: chr19-11096019-T-C.
Other names: c.293T>C, p.Met98Thr (NM_001128844.3, NM_001128845.2, NM_001128846.2 and 5 more transcripts); short protein forms M98T.
Identifiers: ClinVar variation 470327 (VCV000470327.8), dbSNP rs1555752060, ClinGen allele CA404055235.